The following is an entry in ClinVar:

NM_001252024.2(TRPM1):c.3214dup (p.Trp1072fs)

Genes: TRPM1 (transient receptor potential cation channel subfamily M member 1; minus strand), TRPM1-AS1 (TRPM1 antisense RNA 1; plus strand). Cytogenetic location: 15q13.3.
Variant type: Duplication.
Coding change: c.3214dup on transcript NM_001252024.2 (MANE Select); coding-DNA position 3214, one base duplicated (T; older notation c.3214dupT).
Protein change: p.Trp1072fs; shifts the reading frame from tryptophan 1072.
Molecular consequence: frameshift variant.
Genome position (GRCh38, 1-based): chr15:31,028,411, A duplicated on the plus strand (T on the coding strand, the reverse complement: TRPM1 is on the minus strand). VCF-style (leftmost placement, unchanged base first): chr15-31028410-C-CA. GRCh37 (hg19) VCF-style: chr15-31320613-C-CA.
Other names: c.3265dupT (NM_001252020.1); c.3265dup, p.Trp1089fs (NM_001252020.2); c.3148dup, p.Trp1050fs (NM_002420.6); short protein forms W1050fs, W1072fs, W1089fs.
Identifiers: ClinVar variation 438219 (VCV000438219.10), dbSNP rs770380556, ClinGen allele CA267514778.
Genomic context (GRCh38, chr15:31,028,410, plus strand): 5'-AGGTTCACCAGCAGGATGTTGGCGACCAGTAGATAGCACGCCATGAGTGCTGGAGTGAGC[C>CA]AGGCGCCGGGGATACAGGGAGGAAGCCGCTTGCCCTCCTCATCATATAGGTTCTCACCAC-3'

ClinVar aggregate classification (germline): Pathogenic/Likely pathogenic. Review status: criteria provided, multiple submitters, no conflicts (2 of 4 stars). 3 submissions from 3 submitters: Pathogenic (1); Likely pathogenic (1). 1 of the submissions does not count toward it. Last evaluated 2024-12-15.

Conditions:
Congenital stationary night blindness. Also called: Early-onset non-progressive night blindness. Identifiers: Orphanet 215, MedGen C0339535, MONDO:0016293, HP:0007642.
TRPM1-related disorder. Also called: TRPM1-related condition.

Allele frequency attached by ClinVar (database versions not stated): TOPMed below 0.00001; gnomAD exomes 0.00001.

Submissions (3):

Labcorp Genetics (formerly Invitae), Labcorp
Classification: Pathogenic. Last evaluated: 2024-12-15. Review status: criteria provided, single submitter. Criteria: Invitae Variant Classification Sherloc (09022015). Collection method: clinical testing. Allele origin: germline.
Comment: This sequence change creates a premature translational stop signal (p.Trp1050Leufs*32) in the TRPM1 gene. It is expected to result in an absent or disrupted protein product. Loss-of-function variants in TRPM1 are known to be pathogenic (PMID: 19896113, 19966281, 20300565). This variant is present in population databases (rs770380556, gnomAD 0.002%). This variant has not been reported in the literature in individuals affected with TRPM1-related conditions. ClinVar contains an entry for this variant (Variation ID: 438219). For these reasons, this variant has been classified as Pathogenic.

Blueprint Genetics
Classification: Likely pathogenic for TRPM1-related disorders. Last evaluated: 2022-01-13. Review status: criteria provided, single submitter. Criteria: ACMG Guidelines, 2015. Collection method: clinical testing. Allele origin: germline. Affected: yes. Observed: 2 variant alleles.

NIHR Bioresource Rare Diseases, University of Cambridge
Classification: Likely pathogenic for Congenital stationary night blindness. Last evaluated: 2015-01-01. Review status: no assertion criteria provided. Collection method: research. Allele origin: unknown. Affected: yes. Observed: 1 variant allele. Not counted in ClinVar's aggregate classification.

Literature cited by the submitters: PubMed 19896113 (cited by Labcorp Genetics (formerly Invitae), Labcorp); PubMed 19966281 (cited by Labcorp Genetics (formerly Invitae), Labcorp); PubMed 20300565 (cited by Labcorp Genetics (formerly Invitae), Labcorp); PubMed 28041643 (cited by NIHR Bioresource Rare Diseases, University of Cambridge).